The following is an entry in ClinVar:

ClinVar aggregate classification (germline): Uncertain significance (1 of 4 stars; one submission).

Conditions:
Dystonic disorder. Also called: Dystonia. Identifiers: MedGen C0013421, MONDO:0003441, HP:0001332.

gnomAD v4.1: 1 of 1,614,232 alleles (0.000062%); highest among the groups gnomAD compares: Non-Finnish European, 0.000085%; no homozygotes.

Submission:

Labcorp Genetics (formerly Invitae), Labcorp
Classification: Uncertain significance for Dystonic disorder. Last evaluated: 2022-08-31. Review status: criteria provided, single submitter. Criteria: Invitae Variant Classification Sherloc (09022015). Collection method: clinical testing. Allele origin: germline.
Comment: In summary, the available evidence is currently insufficient to determine the role of this variant in disease. Therefore, it has been classified as a Variant of Uncertain Significance. Algorithms developed to predict the effect of missense changes on protein structure and function (SIFT, PolyPhen-2, Align-GVGD) all suggest that this variant is likely to be disruptive. This variant has not been reported in the literature in individuals affected with TOR1A-related conditions. This variant is not present in population databases (gnomAD no frequency). This sequence change replaces glycine, which is neutral and non-polar, with glutamic acid, which is acidic and polar, at codon 225 of the TOR1A protein (p.Gly225Glu).

NM_000113.3(TOR1A):c.674G>A (p.Gly225Glu)

Gene: TOR1A (torsin family 1 member A; minus strand). Cytogenetic location: 9q34.11.
Variant type: single nucleotide variant.
Coding change: c.674G>A on transcript NM_000113.3 (MANE Select); coding-DNA position 674, G replaced by A.
Protein change: p.Gly225Glu; replaces glycine 225 with glutamic acid.
Molecular consequence: missense variant.
Genome position (GRCh38, 1-based): chr9:129,818,594, C>T on the plus strand (G>A on the coding strand, the complement: TOR1A is on the minus strand). VCF-style: chr9-129818594-C-T. GRCh37 (hg19) VCF-style: chr9-132580873-C-T.
Other names: short protein forms G225E.
Identifiers: ClinVar variation 2093298 (VCV002093298.4), dbSNP rs2490563303, ClinGen allele CA375198889.